The following is an entry in ClinVar:

ClinVar aggregate classification (germline): Uncertain significance. Review status: criteria provided, multiple submitters, no conflicts (2 of 4 stars). 2 submissions from 2 submitters: Uncertain significance (2). Last evaluated 2023-06-27.

Conditions:
Familial hypocalciuric hypercalcemia (FHH). Also called: Familial benign hypercalcemia. Identifiers: Orphanet 405, MedGen C1809471, MONDO:0018458.
Autosomal dominant hypocalcemia 1 (HYPOC1). Also called: HYPOCALCEMIA, FAMILIAL. Identifiers: MedGen C3715128, MONDO:0011013, OMIM 601198.
Nephrolithiasis/nephrocalcinosis. Identifiers: MedGen CN580796.

Allele frequency attached by ClinVar (database versions not stated): gnomAD exomes 0.00001.
gnomAD v4.1: 4 of 1,614,216 alleles (0.00025%); highest among the groups gnomAD compares: Non-Finnish European, 0.00034%; no homozygotes.

Submissions (2):

Labcorp Genetics (formerly Invitae), Labcorp
Classification: Uncertain significance for Familial hypocalciuric hypercalcemia; Autosomal dominant hypocalcemia 1. Last evaluated: 2023-06-27. Review status: criteria provided, single submitter. Criteria: Invitae Variant Classification Sherloc (09022015). Collection method: clinical testing. Allele origin: germline.
Comment: This sequence change replaces proline, which is neutral and non-polar, with leucine, which is neutral and non-polar, at codon 274 of the CASR protein (p.Pro274Leu). This variant is not present in population databases (gnomAD no frequency). This variant has not been reported in the literature in individuals affected with CASR-related conditions. ClinVar contains an entry for this variant (Variation ID: 1391837). An algorithm developed to predict the effect of missense changes on protein structure and function (PolyPhen-2) suggests that this variant is likely to be disruptive. In summary, the available evidence is currently insufficient to determine the role of this variant in disease. Therefore, it has been classified as a Variant of Uncertain Significance.

Ambry Genetics
Classification: Uncertain significance for Nephrolithiasis/nephrocalcinosis. Last evaluated: 2023-05-18. Review status: criteria provided, single submitter. Criteria: Ambry Variant Classification Scheme 2023. Collection method: clinical testing. Allele origin: germline.
Comment: The p.P274L variant (also known as c.821C>T), located in coding exon 3 of the CASR gene, results from a C to T substitution at nucleotide position 821. The proline at codon 274 is replaced by leucine, an amino acid with similar properties. This amino acid position is conserved. In addition, this alteration is predicted to be deleterious by in silico analysis. Since supporting evidence is limited at this time, the clinical significance of this alteration remains unclear.

NM_000388.4(CASR):c.821C>T (p.Pro274Leu)

Gene: CASR (calcium sensing receptor; plus strand). Cytogenetic location: 3q21.1.
Variant type: single nucleotide variant.
Coding change: c.821C>T on transcript NM_000388.4 (MANE Select); coding-DNA position 821, C replaced by T.
Protein change: p.Pro274Leu; replaces proline 274 with leucine.
Molecular consequence: missense variant.
Genome position (GRCh38, 1-based): chr3:122,261,856, C>T. VCF-style: chr3-122261856-C-T. GRCh37 (hg19) VCF-style: chr3-121980703-C-T.
Other names: c.821C>T, p.Pro274Leu (NM_001178065.2); c.821C>T (NM_000388.3); short protein forms P274L.
Identifiers: ClinVar variation 1391837 (VCV001391837.7), dbSNP rs1005301601, ClinGen allele CA82738561.
Genomic context (GRCh38, chr3:122,261,856, plus strand): 5'-ATGTGGTAGAGGTGATTCAAAATTCCACGGCCAAAGTCATCGTGGTTTTCTCCAGTGGCC[C>T]AGATCTTGAGCCCCTCATCAAGGAGATTGTCCGGCGCAATATCACGGGCAAGATCTGGCT-3'
Protein context (NP_000379.3, residues 264-284): AKVIVVFSSG[Pro274Leu]DLEPLIKEIV